The following is an entry in ClinVar:

NM_133433.4(NIPBL):c.2447G>A (p.Arg816His)

Gene: NIPBL (NIPBL cohesin loading factor; plus strand). Cytogenetic location: 5p13.2.
Variant type: single nucleotide variant.
Coding change: c.2447G>A on transcript NM_133433.4 (MANE Select); coding-DNA position 2447, G replaced by A.
Protein change: p.Arg816His; replaces arginine 816 with histidine.
Molecular consequence: missense variant.
Genome position (GRCh38, 1-based): chr5:36,985,627, G>A. VCF-style: chr5-36985627-G-A. GRCh37 (hg19) VCF-style: chr5-36985729-G-A.
Other names: c.2447G>A, p.Arg816His (NM_015384.5); short protein forms R816H.
Identifiers: ClinVar variation 96334 (VCV000096334.89), dbSNP rs80358359, ClinGen allele CA172663.

ClinVar aggregate classification (germline): Conflicting classifications of pathogenicity. Review status: criteria provided, conflicting classifications (1 of 4 stars). 10 submissions from 10 submitters: Uncertain significance (2); Benign (1); Likely benign (6). 1 of the submissions does not count toward it. Last evaluated 2026-04-01.

Conditions:
NIPBL-related disorder. Also called: NIPBL-related condition.
Inborn genetic diseases. Identifiers: MedGen C0950123, MeSH D030342.
Cornelia de Lange syndrome 1 (CDLS1). Also called: TYPUS DEGENERATIVUS AMSTELODAMENSIS; Brachmann de Lange syndrome; NIPBL-Related Cornelia de Lange Syndrome. Identifiers: Orphanet 199, MedGen C4551851, MONDO:0007387, OMIM 122470.

Allele frequency attached by ClinVar (database versions not stated): gnomAD exomes 0.00027 and 0.00041; 1000 Genomes Project 0.00040; 1000 Genomes Project 30x 0.00047; gnomAD 0.00028 and 0.00031; TOPMed 0.00034; ESP Exome Variant Server 0.00015; ExAC 0.00037.
gnomAD v4.1: 452 of 1,613,918 alleles (0.028%); highest among the groups gnomAD compares: Middle Eastern, 0.12%; 1 homozygote.

Submissions (10):

CeGaT Center for Human Genetics Tuebingen
Classification: Likely benign. Last evaluated: 2026-04-01. Review status: criteria provided, single submitter. Criteria: CeGaT Center For Human Genetics Tuebingen Variant Classification Criteria Version 2. Collection method: clinical testing. Allele origin: germline. Affected: yes. Observed: 4 variant alleles.
Comment: NIPBL: BS1

Labcorp Genetics (formerly Invitae), Labcorp
Classification: Benign for Cornelia de Lange syndrome 1. Last evaluated: 2026-01-26. Review status: criteria provided, single submitter. Criteria: Invitae Variant Classification Sherloc (09022015). Collection method: clinical testing. Allele origin: germline.

Blueprint Genetics
Classification: Likely benign. Last evaluated: 2024-11-23. Review status: criteria provided, single submitter. Criteria: ACMG Guidelines, 2015. Collection method: clinical testing. Allele origin: germline.

Genome-Nilou Lab
Classification: Likely benign for Cornelia de Lange syndrome 1. Last evaluated: 2021-07-15. Review status: criteria provided, single submitter. Criteria: ACMG Guidelines, 2015. Collection method: clinical testing. Allele origin: germline. Affected: no.

Illumina Laboratory Services, Illumina
Classification: Likely benign for Cornelia de Lange syndrome 1. Last evaluated: 2018-01-13. Review status: criteria provided, single submitter. Criteria: ICSL Variant Classification Criteria 13 December 2019. Collection method: clinical testing. Allele origin: germline.
Comment: This variant was observed in the ICSL laboratory as part of a predisposition screen in an ostensibly healthy population. It had not been previously curated by ICSL or reported in the Human Gene Mutation Database (HGMD: prior to June 1st, 2018), and was therefore a candidate for classification through an automated scoring system. Utilizing variant allele frequency, disease prevalence and penetrance estimates, and inheritance mode, an automated score was calculated to assess if this variant is too frequent to cause the disease. Based on the score and internal cut-off values, a variant classified as likely benign is not then subjected to further curation. The score for this variant resulted in a classification of likely benign for this disease.

Ambry Genetics
Classification: Uncertain significance for Inborn genetic diseases. Last evaluated: 2017-11-02. Review status: criteria provided, single submitter. Criteria: Ambry Variant Classification Scheme 2023. Collection method: clinical testing. Allele origin: germline.
Comment: The p.R816H variant (also known as c.2447G>A), located in coding exon 9 of the NIPBL gene, results from a G to A substitution at nucleotide position 2447. The arginine at codon 816 is replaced by histidine, an amino acid with highly similar properties. This amino acid position is well conserved in available vertebrate species. In addition, this alteration is predicted to be deleterious by in silico analysis. Since supporting evidence is limited at this time, the clinical significance of this alteration remains unclear.

GeneDx
Classification: Likely benign. Last evaluated: 2017-01-17. Review status: criteria provided, single submitter. Criteria: GeneDx Variant Classification (06012015). Collection method: clinical testing. Allele origin: germline. Affected: yes.
Comment: This variant is considered likely benign or benign based on one or more of the following criteria: it is a conservative change, it occurs at a poorly conserved position in the protein, it is predicted to be benign by multiple in silico algorithms, and/or has population frequency not consistent with disease.

Eurofins Ntd Llc (ga)
Classification: Uncertain significance. Last evaluated: 2013-04-30. Review status: criteria provided, single submitter. Criteria: EGL Classification Definitions 2015. Collection method: clinical testing. Allele origin: germline. Observed: 1 variant allele, 1 heterozygote.

Genetic Services Laboratory, University of Chicago
Classification: Likely benign. Last evaluated: 2013-02-08. Review status: criteria provided, single submitter. Criteria: ACMG Guidelines, 2007. Collection method: clinical testing. Allele origin: germline. Inheritance: Autosomal dominant inheritance.

PreventionGenetics, part of Exact Sciences
Classification: Benign for NIPBL-related condition. Last evaluated: 2020-09-28. Review status: no assertion criteria provided. Collection method: clinical testing. Allele origin: germline. Not counted in ClinVar's aggregate classification.
Comment: This variant is classified as benign based on ACMG/AMP sequence variant interpretation guidelines (Richards et al. 2015 PMID: 25741868, with internal and published modifications).